The following is an entry in ClinVar:

ClinVar aggregate classification (germline): Uncertain significance (1 of 4 stars; one submission).

Conditions:
Nephronophthisis. Also called: Juvenile Nephronophthisis. Identifiers: Orphanet 655, MedGen C0687120, MONDO:0019005, HP:0000090.

gnomAD v4.1: 5 of 1,613,696 alleles (0.00031%); highest among the groups gnomAD compares: Non-Finnish European, 0.00034%; no homozygotes.

Submission:

Labcorp Genetics (formerly Invitae), Labcorp
Classification: Uncertain significance for Nephronophthisis. Last evaluated: 2021-04-10. Review status: criteria provided, single submitter. Criteria: Invitae Variant Classification Sherloc (09022015). Collection method: clinical testing. Allele origin: germline.
Comment: In summary, the available evidence is currently insufficient to determine the role of this variant in disease. Therefore, it has been classified as a Variant of Uncertain Significance. Algorithms developed to predict the effect of missense changes on protein structure and function (SIFT, PolyPhen-2, Align-GVGD) all suggest that this variant is likely to be tolerated, but these predictions have not been confirmed by published functional studies and their clinical significance is uncertain. This variant has not been reported in the literature in individuals with INVS-related conditions. This variant is not present in population databases (ExAC no frequency). This sequence change replaces arginine with glycine at codon 908 of the INVS protein (p.Arg908Gly). The arginine residue is weakly conserved and there is a moderate physicochemical difference between arginine and glycine.

NM_014425.5(INVS):c.2722A>G (p.Arg908Gly)

Gene: INVS (inversin; plus strand). Cytogenetic location: 9q31.1.
Variant type: single nucleotide variant.
Coding change: c.2722A>G on transcript NM_014425.5 (MANE Select); coding-DNA position 2722, A replaced by G.
Protein change: p.Arg908Gly; replaces arginine 908 with glycine.
Molecular consequence: missense variant. On other transcripts: non-coding transcript variant (1).
Genome position (GRCh38, 1-based): chr9:100,292,979, A>G. VCF-style: chr9-100292979-A-G. GRCh37 (hg19) VCF-style: chr9-103055261-A-G.
Other names: c.2434A>G, p.Arg812Gly (NM_001318381.2); c.1744A>G, p.Arg582Gly (NM_001318382.2); short protein forms R582G, R908G, R812G.
Identifiers: ClinVar variation 1409160 (VCV001409160.8), dbSNP rs1430951841, ClinGen allele CA374244355.